The following is an entry in ClinVar:

ClinVar aggregate classification (germline): Likely benign (0 of 4 stars; one submission).

Conditions:
NRP2-related disorder. Also called: NRP2-related condition.

Allele frequency attached by ClinVar (database versions not stated): gnomAD 0.00001; gnomAD exomes 0.00001; TOPMed 0.00001.
gnomAD v4.1: 7 of 1,614,062 alleles (0.00043%); highest among the groups gnomAD compares: Admixed American, 0.012%; no homozygotes.

Submission:

PreventionGenetics, part of Exact Sciences
Classification: Likely benign for NRP2-related condition. Last evaluated: 2023-01-27. Review status: no assertion criteria provided. Collection method: clinical testing. Allele origin: germline.
Comment: This variant is classified as likely benign based on ACMG/AMP sequence variant interpretation guidelines (Richards et al. 2015 PMID: 25741868, with internal and published modifications).

NM_003872.3(NRP2):c.696C>T (p.Thr232=)

Gene: NRP2 (neuropilin 2; plus strand). Cytogenetic location: 2q33.3.
Variant type: single nucleotide variant.
Coding change: c.696C>T on transcript NM_003872.3 (MANE Select); coding-DNA position 696, C replaced by T.
Protein change: p.Thr232=; no amino-acid change (threonine 232 retained).
Molecular consequence: synonymous variant.
Genome position (GRCh38, 1-based): chr2:205,723,816, C>T. VCF-style: chr2-205723816-C-T. GRCh37 (hg19) VCF-style: chr2-206588540-C-T.
Other names: c.696C>T, p.Thr232= (NM_018534.4, NM_201264.2, NM_201266.2 and 2 more transcripts).
Identifiers: ClinVar variation 3029397 (VCV003029397.2), dbSNP rs1487432984, ClinGen allele CA430910402.